The following is an entry in ClinVar:

NM_000238.4(KCNH2):c.297C>G (p.Tyr99Ter)

Gene: KCNH2 (potassium voltage-gated channel subfamily H member 2; minus strand). Cytogenetic location: 7q36.1.
Variant type: single nucleotide variant.
Coding change: c.297C>G on transcript NM_000238.4 (MANE Select); coding-DNA position 297, C replaced by G.
Protein change: p.Tyr99Ter; replaces tyrosine 99 with a stop codon.
Molecular consequence: nonsense. On other transcripts: non-coding transcript variant (1).
Genome position (GRCh38, 1-based): chr7:150,974,721, G>C on the plus strand (C>G on the coding strand, the complement: KCNH2 is on the minus strand). VCF-style: chr7-150974721-G-C. GRCh37 (hg19) VCF-style: chr7-150671809-G-C.
Other names: c.120C>G, p.Tyr40Ter (NM_001406755.1); c.297C>G, p.Tyr99Ter (NM_172056.3); short protein forms Y40*, Y99*.
Identifiers: ClinVar variation 3230730 (VCV003230730.3), dbSNP rs1197382689, ClinGen allele CA369865298.

ClinVar aggregate classification (germline): Pathogenic. Review status: criteria provided, multiple submitters, no conflicts (2 of 4 stars). 2 submissions from 2 submitters: Pathogenic (2). Last evaluated 2024-11-11.

Conditions:
Cardiovascular phenotype. Identifiers: MedGen CN230736.
Long QT syndrome (LQTS). Identifiers: MedGen C0023976, MeSH D008133, MONDO:0002442. Disease mechanism: loss of function. Inheritance: Various modes of inheritance.

Submissions (2):

Labcorp Genetics (formerly Invitae), Labcorp
Classification: Pathogenic for Long QT syndrome. Last evaluated: 2024-11-11. Review status: criteria provided, single submitter. Criteria: Invitae Variant Classification Sherloc (09022015). Collection method: clinical testing. Allele origin: germline.
Comment: This sequence change creates a premature translational stop signal (p.Tyr99*) in the KCNH2 gene. It is expected to result in an absent or disrupted protein product. Loss-of-function variants in KCNH2 are known to be pathogenic (PMID: 10973849, 19862833). This variant is not present in population databases (gnomAD no frequency). This variant has not been reported in the literature in individuals affected with KCNH2-related conditions. ClinVar contains an entry for this variant (Variation ID: 3230730). For these reasons, this variant has been classified as Pathogenic.

Ambry Genetics
Classification: Pathogenic for Cardiovascular phenotype. Last evaluated: 2023-12-12. Review status: criteria provided, single submitter. Criteria: Ambry Variant Classification Scheme 2023. Collection method: clinical testing. Allele origin: germline.
Comment: The p.Y99* pathogenic mutation (also known as c.297C>G), located in coding exon 2 of the KCNH2 gene, results from a C to G substitution at nucleotide position 297. This changes the amino acid from a tyrosine to a stop codon within coding exon 2. This variant is considered to be rare based on population cohorts in the Genome Aggregation Database (gnomAD). This alteration is expected to result in loss of function by premature protein truncation or nonsense-mediated mRNA decay. As such, this alteration is interpreted as a disease-causing mutation.

Literature cited by the submitters: PubMed 10973849 (cited by Labcorp Genetics (formerly Invitae), Labcorp); PubMed 19862833 (cited by Labcorp Genetics (formerly Invitae), Labcorp).